The following is an entry in ClinVar:

NM_015046.7(SETX):c.3550G>A (p.Gly1184Ser)

Gene: SETX (senataxin; minus strand). Cytogenetic location: 9q34.13.
Variant type: single nucleotide variant.
Coding change: c.3550G>A on transcript NM_015046.7 (MANE Select); coding-DNA position 3550, G replaced by A.
Protein change: p.Gly1184Ser; replaces glycine 1184 with serine.
Molecular consequence: missense variant.
Genome position (GRCh38, 1-based): chr9:132,328,048, C>T on the plus strand (G>A on the coding strand, the complement: SETX is on the minus strand). VCF-style: chr9-132328048-C-T. GRCh37 (hg19) VCF-style: chr9-135203435-C-T.
Other names: c.3550G>A, p.Gly1184Ser (NM_001351527.2, NM_001351528.2); short protein forms G1184S.
Identifiers: ClinVar variation 4682334 (VCV004682334.1).

ClinVar aggregate classification (germline): Uncertain significance (1 of 4 stars; one submission).

Submission:

Athena Diagnostics
Classification: Uncertain significance. Last evaluated: 2025-02-05. Review status: criteria provided, single submitter. Criteria: Athena Diagnostics Criteria. Collection method: clinical testing. Allele origin: unknown.
Comment: Available data are insufficient to determine the clinical significance of the variant at this time. This variant has not been reported in large, multi-ethnic general populations. Polyphen and MutationTaster predict this amino acid change may be benign.